The following is an entry in ClinVar:

ClinVar aggregate classification (germline): Pathogenic (1 of 4 stars; one submission).

Submission:

Labcorp Genetics (formerly Invitae), Labcorp
Classification: Pathogenic. Last evaluated: 2023-12-01. Review status: criteria provided, single submitter. Criteria: Invitae Variant Classification Sherloc (09022015). Collection method: clinical testing. Allele origin: germline.
Comment: This sequence change creates a premature translational stop signal (p.Leu79Hisfs*25) in the COL4A4 gene. It is expected to result in an absent or disrupted protein product. Loss-of-function variants in COL4A4 are known to be pathogenic (PMID: 21196518, 24854265, 25307543). This variant is not present in population databases (gnomAD no frequency). This variant has not been reported in the literature in individuals affected with COL4A4-related conditions. For these reasons, this variant has been classified as Pathogenic.

Literature cited by the submitters: PubMed 21196518; PubMed 24854265; PubMed 25307543.

NM_000092.5(COL4A4):c.236_252del (p.Leu79fs)

Gene: COL4A4 (collagen type IV alpha 4 chain; minus strand). Cytogenetic location: 2q36.3.
Variant type: Deletion.
Coding change: c.236_252del on transcript NM_000092.5 (MANE Select); coding-DNA positions 236 to 252, 17 bases deleted (TGGGAGCCCCAGGACCC).
Protein change: p.Leu79fs; shifts the reading frame from leucine 79.
Molecular consequence: frameshift variant.
Genome position (GRCh38, 1-based): chr2:227,121,089-227,121,105, GGGTCCTGGGGCTCCCA deleted on the plus strand (TGGGAGCCCCAGGACCC on the coding strand, the reverse complement: COL4A4 is on the minus strand); deleting any 17 consecutive bases within chr2:227,121,089-227,121,108 gives the same sequence; the c. name uses the placement nearest the transcript's 3' end. VCF-style (leftmost placement, unchanged base first): chr2-227121088-TGGGTCCTGGGGCTCCCA-T. GRCh37 (hg19) VCF-style: chr2-227985804-TGGGTCCTGGGGCTCCCA-T.
Other names: short protein forms L79fs.
Identifiers: ClinVar variation 2700258 (VCV002700258.3), dbSNP rs2476241131, ClinGen allele CA2697550521.